The following is an entry in ClinVar:

ClinVar aggregate classification (germline): Uncertain significance (1 of 4 stars; one submission).

Submission:

GeneDx
Classification: Uncertain significance. Last evaluated: 2024-05-07. Review status: criteria provided, single submitter. Criteria: GeneDx Variant Classification Process June 2021. Collection method: clinical testing. Allele origin: germline. Affected: yes.
Comment: Not observed at significant frequency in large population cohorts (gnomAD); In silico analysis indicates that this missense variant does not alter protein structure/function; Has not been previously published as pathogenic or benign to our knowledge

NM_024411.5(PDYN):c.380A>G (p.Glu127Gly)

Genes: PDYN (prodynorphin; minus strand), PDYN-AS1 (PDYN antisense RNA 1; plus strand). Cytogenetic location: 20p13.
Variant type: single nucleotide variant.
Coding change: c.380A>G on transcript NM_024411.5 (MANE Select); coding-DNA position 380, A replaced by G.
Protein change: p.Glu127Gly; replaces glutamic acid 127 with glycine.
Molecular consequence: missense variant.
Genome position (GRCh38, 1-based): chr20:1,980,708, T>C on the plus strand (A>G on the coding strand, the complement: PDYN is on the minus strand). VCF-style: chr20-1980708-T-C. GRCh37 (hg19) VCF-style: chr20-1961354-T-C.
Other names: c.380A>G, p.Glu127Gly (NM_001190892.1, NM_001190898.3, NM_001190899.2 and 1 more transcripts); short protein forms E127G.
Identifiers: ClinVar variation 3375587 (VCV003375587.1).
Genomic context (GRCh38, chr20:1,980,708, plus strand): 5'-CTCATCAGCTCAGACTCTGCTCCCTCCCTAAACCCGTCAGAGAGACCCCTGAGCTTCTCC[T>C]CCAGGCTCTTGCTCAGAGTGTTCTCCTTTGTTGAGATACTTGGGAGAAACTTGCTTTTCT-3'
Protein context (NP_077722.1, residues 117-137): TKENTLSKSL[Glu127Gly]EKLRGLSDGF